The following is an entry in ClinVar:

ClinVar aggregate classification (germline): Uncertain significance. Review status: criteria provided, multiple submitters, no conflicts (2 of 4 stars). 2 submissions from 2 submitters: Uncertain significance (2). Last evaluated 2022-07-19.

Conditions:
Ehlers-Danlos syndrome, spondylodysplastic type, 3. Also called: Ehlers-Danlos syndrome, spondylocheirodysplastic type. Identifiers: Orphanet 157965, MedGen C2676510, MONDO:0012873, OMIM 612350.

Allele frequency attached by ClinVar (database versions not stated): ExAC 0.00001; gnomAD exomes 0.00001; TOPMed 0.00002; gnomAD 0.00004; ESP Exome Variant Server 0.00008.
gnomAD v4.1: 31 of 1,613,924 alleles (0.0019%); highest among the groups gnomAD compares: Non-Finnish European, 0.0026%; no homozygotes.

Submissions (2):

Labcorp Genetics (formerly Invitae), Labcorp
Classification: Uncertain significance for Ehlers-Danlos syndrome, spondylodysplastic type, 3. Last evaluated: 2022-07-19. Review status: criteria provided, single submitter. Criteria: Invitae Variant Classification Sherloc (09022015). Collection method: clinical testing. Allele origin: germline.
Comment: Algorithms developed to predict the effect of missense changes on protein structure and function are either unavailable or do not agree on the potential impact of this missense change (SIFT: "Tolerated"; PolyPhen-2: "Probably Damaging"; Align-GVGD: "Class C0"). In summary, the available evidence is currently insufficient to determine the role of this variant in disease. Therefore, it has been classified as a Variant of Uncertain Significance. This sequence change replaces serine, which is neutral and polar, with phenylalanine, which is neutral and non-polar, at codon 342 of the SLC39A13 protein (p.Ser342Phe). This variant is present in population databases (rs376076637, gnomAD 0.002%). This variant has not been reported in the literature in individuals affected with SLC39A13-related conditions. ClinVar contains an entry for this variant (Variation ID: 450446).

GeneDx
Classification: Uncertain significance. Last evaluated: 2017-07-13. Review status: criteria provided, single submitter. Criteria: GeneDx Variant Classification (06012015). Collection method: clinical testing. Allele origin: germline. Affected: yes.
Comment: A variant of uncertain significance has been identified in the SLC39A13 gene. The S342F variant has not been published as pathogenic or been reported as benign to our knowledge. This variant is not observed at a significant frequency in large population cohorts (Lek et al., 2016; 1000 Genomes Consortium et al., 2015; Exome Variant Server). The S342F variant is a non-conservative amino acid substitution, which is likely to impact secondary protein structure as these residues differ in polarity, charge, size and/or other properties. Additionally, this substitution occurs at a position that is conserved across species and in silico analysis predicts this variant is probably damaging to the protein structure/function. However, additional evidence is needed to determine whether this variant is pathogenic or benign.

NM_001128225.3(SLC39A13):c.1046C>T (p.Ser349Phe)

Gene: SLC39A13 (solute carrier family 39 member 13; plus strand). Cytogenetic location: 11p11.2.
Variant type: single nucleotide variant.
Coding change: c.1046C>T on transcript NM_001128225.3 (MANE Select); coding-DNA position 1046, C replaced by T.
Protein change: p.Ser349Phe; replaces serine 349 with phenylalanine.
Molecular consequence: missense variant. On other transcripts: 3 prime UTR variant (1), non-coding transcript variant (1).
Genome position (GRCh38, 1-based): chr11:47,415,293, C>T. VCF-style: chr11-47415293-C-T. GRCh37 (hg19) VCF-style: chr11-47436844-C-T.
Other names: c.*43C>T (NM_001330245.2); c.1025C>T, p.Ser342Phe (NM_152264.5); short protein forms S342F, S349F.
Identifiers: ClinVar variation 450446 (VCV000450446.8), dbSNP rs376076637, ClinGen allele CA5976053.
Genomic context (GRCh38, chr11:47,415,293, plus strand): 5'-CCGCTGCCTGCTCCCCCTGCCCATGCCTCCACCGTGAGCCGTTCCCTCCCCACAGGCGCT[C>T]CCTGCAGCAGCTGCTTCTGCTCTGTGCGGGCATCGTGGTAATGGTGCTGTTCTCGCTCTT-3'
Protein context (NP_001121697.2, residues 339-359): DLLEEEDPWR[Ser349Phe]LQQLLLLCAG